The following is an entry in ClinVar:

NM_001201550.3(CFHR4):c.1528C>A (p.Pro510Thr)

Gene: CFHR4 (complement factor H related 4; plus strand). Cytogenetic location: 1q31.3.
Variant type: single nucleotide variant.
Coding change: c.1528C>A on transcript NM_001201550.3 (MANE Select); coding-DNA position 1528, C replaced by A.
Protein change: p.Pro510Thr; replaces proline 510 with threonine.
Molecular consequence: missense variant.
Genome position (GRCh38, 1-based): chr1:196,915,126, C>A. VCF-style: chr1-196915126-C-A. GRCh37 (hg19) VCF-style: chr1-196884256-C-A.
Other names: c.787C>A, p.Pro263Thr (NM_006684.5); c.1525C>A, p.Pro509Thr (NM_001201551.2); short protein forms P263T, P509T, P510T.
Identifiers: ClinVar variation 4848011 (VCV004848011.1).

ClinVar aggregate classification (germline): Uncertain significance (1 of 4 stars; one submission).

Submission:

Women's Health and Genetics/Laboratory Corporation of America, LabCorp
Classification: Uncertain significance. Last evaluated: 2026-02-06. Review status: criteria provided, single submitter. Criteria: LabCorp Variant Classification Summary - May 2015. Collection method: clinical testing. Allele origin: germline.
Comment: Variant summary: CFHR4 c.1528C>A (p.Pro510Thr) results in a non-conservative amino acid change in the encoded protein sequence. Algorithms developed to predict the effect of missense changes on protein structure and function are either unavailable or do not agree on the potential impact of this missense change. The variant allele was found at a frequency of 1.6e-05 in 246606 control chromosomes. The available data on variant occurrences in the general population are insufficient to allow any conclusion about variant significance. To our knowledge, no occurrence of c.1528C>A in individuals affected with CFHR4-related conditions and no experimental evidence demonstrating its impact on protein function have been reported. No submitters have cited clinical-significance assessments for this variant to ClinVar. Based on the evidence outlined above, the variant was classified as uncertain significance.